The following is an entry in ClinVar:

ClinVar aggregate classification (germline): Pathogenic (1 of 4 stars; one submission).

Conditions:
DeSanto-Shinawi syndrome. Also called: WAC-related facial dysmorphism-developmental delay-behavioral abnormalities syndrome. Identifiers: Orphanet 466943, MedGen C4225239, MONDO:0018760.

Submission:

Victorian Clinical Genetics Services, Murdoch Childrens Research Institute
Classification: Pathogenic for DeSanto-Shinawi syndrome. Last evaluated: 2020-05-01. Review status: criteria provided, single submitter. Criteria: ACMG Guidelines, 2015. Collection method: clinical testing. Allele origin: germline. Inheritance: Autosomal dominant inheritance.
Comment: Based on the classification scheme VCGS_Germline_v1.1.1, this variant is classified as Pathogenic. Following criteria are met: 0102 - Loss-of-function is a known mechanism of disease for this gene. (N) 0107 - This gene is known to be associated with autosomal dominant disease. (N) 0201 - Variant is predicted to cause nonsense-mediated decay (NMD) and loss of protein (exon 12 of 14). (P) 0251 - Variant is heterozygous. (N) 0301 - Variant is absent from gnomAD. (P) 0701 - Comparable variants have very strong previous evidence for pathogenicity. Other variants predicted to cause NMD have been reported in ClinVar as pathogenic in individuals with Desanto-Shinawi syndrome. (P) 0807 - Variant has not previously been reported in a clinical context. (N) 0905 - No segregation evidence has been identified for this variant. (N) 1007 - No published functional evidence has been identified for this variant. (N) 1208 - Inheritance information for this variant is not currently available. (N) Legend: (P) - Pathogenic, (N) - Neutral, (B) - Benign

NM_016628.5(WAC):c.1631dup (p.Gln545fs)

Gene: WAC (WW domain containing adaptor with coiled-coil; plus strand). Cytogenetic location: 10p12.1.
Variant type: Duplication.
Coding change: c.1631dup on transcript NM_016628.5 (MANE Select); coding-DNA position 1631, one base duplicated (C; older notation c.1631dupC).
Protein change: p.Gln545fs; shifts the reading frame from glutamine 545.
Molecular consequence: frameshift variant.
Genome position (GRCh38, 1-based): chr10:28,616,247, C duplicated; the last of 2 consecutive C bases (chr10:28,616,246-28,616,247); duplicating either gives the same sequence. VCF-style (leftmost placement, unchanged base first): chr10-28616245-A-AC. GRCh37 (hg19) VCF-style: chr10-28905174-A-AC.
Other names: c.1496dup, p.Gln500fs (NM_100264.3); c.1322dup, p.Gln442fs (NM_100486.4); short protein forms Q442fs, Q500fs, Q545fs.
Identifiers: ClinVar variation 1698975 (VCV001698975.3), dbSNP rs2132862551, ClinGen allele CA923726088.